The following is an entry in ClinVar:

ClinVar aggregate classification (germline): Uncertain significance (1 of 4 stars; one submission).

Conditions:
Familial thoracic aortic aneurysm and aortic dissection (TAAD). Also called: Thoracic aortic aneurysms and dissections. Identifiers: Orphanet 91387, MedGen C4707243, MONDO:0019625.

gnomAD v4.1: 1 of 1,613,898 alleles (0.000062%); highest among the groups gnomAD compares: Non-Finnish European, 0.000085%; no homozygotes.

Submission:

Color Diagnostics, LLC DBA Color Health
Classification: Uncertain significance for Familial thoracic aortic aneurysm and aortic dissection. Last evaluated: 2020-12-21. Review status: criteria provided, single submitter. Criteria: ACMG Guidelines, 2015. Collection method: clinical testing. Allele origin: germline.
Comment: This variant causes a G to A nucleotide substitution at the +5 position of intron 6 of the MYH11 gene. Splice site prediction tools predict that this variant may have a significant impact on RNA splicing. To our knowledge, functional studies have not been reported for this variant. This variant has not been reported in individuals affected with cardiovascular disorders in the literature. This variant has not been identified in the general population by the Genome Aggregation Database (gnomAD). The available evidence is insufficient to determine the role of this variant in disease conclusively. Therefore, this variant is classified as a Variant of Uncertain Significance.

NM_002474.3(MYH11):c.633+1937G>A

Gene: MYH11 (myosin heavy chain 11; minus strand). Cytogenetic location: 16p13.11.
Variant type: single nucleotide variant.
Coding change: c.633+1937G>A on transcript NM_002474.3 (MANE Select); 1937 bases into the intron after coding-DNA position 633, G replaced by A.
Molecular consequence: intron variant.
Genome position (GRCh38, 1-based): chr16:15,784,693, C>T on the plus strand (G>A on the coding strand, the complement: MYH11 is on the minus strand). VCF-style: chr16-15784693-C-T. GRCh37 (hg19) VCF-style: chr16-15878550-C-T.
Other names: c.633+1937G>A (NM_022844.3); c.654+5G>A (NM_001040114.2, NM_001040113.2).
Identifiers: ClinVar variation 1171247 (VCV001171247.2), dbSNP rs2151305406, ClinGen allele CA2499223239.